The following is an entry in ClinVar:

NM_032119.4(ADGRV1):c.5643del (p.Tyr1882fs)

Gene: ADGRV1 (adhesion G protein-coupled receptor V1; plus strand). Cytogenetic location: 5q14.3.
Variant type: Deletion.
Coding change: c.5643del on transcript NM_032119.4 (MANE Select); coding-DNA position 5643, one base deleted (G; older notation c.5643delG).
Protein change: p.Tyr1882fs; shifts the reading frame from tyrosine 1882.
Molecular consequence: frameshift variant. On other transcripts: non-coding transcript variant (1).
Genome position (GRCh38, 1-based): chr5:90,681,433, G deleted; the last of 3 consecutive G bases (chr5:90,681,431-90,681,433); deleting any one gives the same sequence. VCF-style (leftmost placement, unchanged base first): chr5-90681430-TG-T. GRCh37 (hg19) VCF-style: chr5-89977247-TG-T.
Other names: c.5643del (NM_032119.3); short protein forms Y1882fs.
Identifiers: ClinVar variation 163578 (VCV000163578.13), dbSNP rs727503076, ClinGen allele CA273157.
Genomic context (GRCh38, chr5:90,681,430, plus strand): 5'-TCATGGCGTATTTGAATTTAGCCCTGAGTCACTCTTTGTCAGTGGAACTGAACCAGAAGA[TG>T]GGTATAGCACTGTTACATTAAATGTGAGTACCTTTTCTTCCTTCATTCCTAGACACTTTC-3'

ClinVar aggregate classification (germline): Pathogenic. Review status: criteria provided, multiple submitters, no conflicts (2 of 4 stars). 3 submissions from 3 submitters: Pathogenic (3). Last evaluated 2023-08-08.

Conditions:
Rare genetic deafness. Identifiers: Orphanet 96210, MedGen C5680250.
ADGRV1-related disorder. Also called: ADGRV1-related disorders; ADGRV1-related condition.

Submissions (3):

Blueprint Genetics
Classification: Pathogenic for ADGRV1-related disorders. Last evaluated: 2023-08-08. Review status: criteria provided, single submitter. Criteria: ACMG Guidelines, 2015. Collection method: clinical testing. Allele origin: germline. Affected: yes. Observed: 1 variant allele.

Labcorp Genetics (formerly Invitae), Labcorp
Classification: Pathogenic. Last evaluated: 2022-11-01. Review status: criteria provided, single submitter. Criteria: Invitae Variant Classification Sherloc (09022015). Collection method: clinical testing. Allele origin: germline.
Comment: For these reasons, this variant has been classified as Pathogenic. ClinVar contains an entry for this variant (Variation ID: 163578). This variant has not been reported in the literature in individuals affected with ADGRV1-related conditions. This variant is not present in population databases (gnomAD no frequency). This sequence change creates a premature translational stop signal (p.Tyr1882Ilefs*6) in the ADGRV1 gene. It is expected to result in an absent or disrupted protein product. Loss-of-function variants in ADGRV1 are known to be pathogenic (PMID: 19357117, 22135276, 22147658, 26226137, 30718709, 31047384, 32467589).

Laboratory for Molecular Medicine, Mass General Brigham Personalized Medicine
Classification: Pathogenic for Rare genetic deafness. Last evaluated: 2013-08-06. Review status: criteria provided, single submitter. Criteria: LMM Criteria. Collection method: clinical testing. Allele origin: germline. Observed: 1 variant allele.
Comment: The Tyr1882fs variant in GPR98 has not been reported in individuals with hearing loss or clinical feature of Usher syndrome, and was also not identified in larg e population studies. This frameshift variant is predicted to alter the protein? s amino acid sequence beginning at position 1882 and lead to a premature termina tion codon 6 amino acids downstream. This alteration is then predicted to lead t o a truncated or absent protein. In summary, this variant meets our criteria to be classified as pathogenic.

Literature cited by the submitters: PubMed 19357117 (cited by Labcorp Genetics (formerly Invitae), Labcorp); PubMed 22135276 (cited by Labcorp Genetics (formerly Invitae), Labcorp); PubMed 22147658 (cited by Labcorp Genetics (formerly Invitae), Labcorp); PubMed 26226137 (cited by Labcorp Genetics (formerly Invitae), Labcorp); PubMed 30718709 (cited by Labcorp Genetics (formerly Invitae), Labcorp); PubMed 31047384 (cited by Labcorp Genetics (formerly Invitae), Labcorp); PubMed 32467589 (cited by Labcorp Genetics (formerly Invitae), Labcorp).